The following is an entry in ClinVar:

NM_002047.4(GARS1):c.1568A>G (p.Asp523Gly)

Gene: GARS1 (glycyl-tRNA synthetase 1; plus strand). Cytogenetic location: 7p14.3.
Variant type: single nucleotide variant.
Coding change: c.1568A>G on transcript NM_002047.4 (MANE Select); coding-DNA position 1568, A replaced by G.
Protein change: p.Asp523Gly; replaces aspartic acid 523 with glycine.
Molecular consequence: missense variant.
Genome position (GRCh38, 1-based): chr7:30,622,417, A>G. VCF-style: chr7-30622417-A-G. GRCh37 (hg19) VCF-style: chr7-30662033-A-G.
Other names: c.1406A>G, p.Asp469Gly (NM_001316772.1); short protein forms D469G, D523G.
Identifiers: ClinVar variation 3366232 (VCV003366232.1).

ClinVar aggregate classification (germline): Uncertain significance (1 of 4 stars; one submission).

gnomAD v4.1: 2 of 1,614,162 alleles (0.00012%); highest among the groups gnomAD compares: South Asian, 0.0022%; no homozygotes.

Submission:

GeneDx
Classification: Uncertain significance. Last evaluated: 2023-10-23. Review status: criteria provided, single submitter. Criteria: GeneDx Variant Classification Process June 2021. Collection method: clinical testing. Allele origin: germline. Affected: yes.
Comment: Not observed at significant frequency in large population cohorts (gnomAD); In silico analysis supports that this missense variant has a deleterious effect on protein structure/function; Has not been previously published as pathogenic or benign to our knowledge; This variant is associated with the following publications: (PMID: 26138142, 25168514)